The following is an entry in ClinVar:

ClinVar aggregate classification (germline): Uncertain significance (1 of 4 stars; one submission).

gnomAD v4.1: 21 of 1,613,914 alleles (0.0013%); highest among the groups gnomAD compares: Non-Finnish European, 0.0017%; no homozygotes.

Submission:

Labcorp Genetics (formerly Invitae), Labcorp
Classification: Uncertain significance. Last evaluated: 2018-12-05. Review status: criteria provided, single submitter. Criteria: Invitae Variant Classification Sherloc (09022015). Collection method: clinical testing. Allele origin: germline.
Comment: This sequence change replaces aspartic acid with tyrosine at codon 1111 of the NSD1 protein (p.Asp1111Tyr). The aspartic acid residue is weakly conserved and there is a large physicochemical difference between aspartic acid and tyrosine. This variant is not present in population databases (ExAC no frequency). This variant has not been reported in the literature in individuals with NSD1-related disease. Algorithms developed to predict the effect of missense changes on protein structure and function are either unavailable or do not agree on the potential impact of this missense change (SIFT: "Tolerated"; PolyPhen-2: "Probably Damaging"; Align-GVGD: "Class C0"). In summary, the available evidence is currently insufficient to determine the role of this variant in disease. Therefore, it has been classified as a Variant of Uncertain Significance.

NM_022455.5(NSD1):c.3331G>T (p.Asp1111Tyr)

Gene: NSD1 (nuclear receptor binding SET domain protein 1; plus strand). Cytogenetic location: 5q35.3.
Variant type: single nucleotide variant.
Coding change: c.3331G>T on transcript NM_022455.5 (MANE Select); coding-DNA position 3331, G replaced by T.
Protein change: p.Asp1111Tyr; replaces aspartic acid 1111 with tyrosine.
Molecular consequence: missense variant.
Genome position (GRCh38, 1-based): chr5:177,211,730, G>T. VCF-style: chr5-177211730-G-T. GRCh37 (hg19) VCF-style: chr5-176638731-G-T.
Other names: c.2458G>T, p.Asp820Tyr (NM_001365684.2, NM_001409306.1, NM_001409307.1 and 3 more transcripts); c.3331G>T, p.Asp1111Tyr (NM_001409301.1, NM_001409302.1, NM_001409303.1); c.2911G>T, p.Asp971Tyr (NM_001409304.1); c.2578G>T, p.Asp860Tyr (NM_001409305.1); short protein forms D842Y, D1111Y, D971Y, D820Y, D860Y.
Identifiers: ClinVar variation 662752 (VCV000662752.9), dbSNP rs151165525, ClinGen allele CA362323769.